The following is an entry in ClinVar:

ClinVar aggregate classification (germline): Uncertain significance (1 of 4 stars; one submission).

gnomAD v4.1: 2 of 1,613,768 alleles (0.00012%); highest among the groups gnomAD compares: African/African-American, 0.0027%; no homozygotes.

Submission:

Mayo Clinic Laboratories, Mayo Clinic
Classification: Uncertain significance. Last evaluated: 2023-12-04. Review status: criteria provided, single submitter. Criteria: ACMG Guidelines, 2015. Collection method: clinical testing. Allele origin: germline. Observed: 2 variant alleles.
Comment: PM2

NM_000186.4(CFH):c.3310G>A (p.Asp1104Asn)

Gene: CFH (complement factor H; plus strand). Cytogenetic location: 1q31.3.
Variant type: single nucleotide variant.
Coding change: c.3310G>A on transcript NM_000186.4 (MANE Select); coding-DNA position 3310, G replaced by A.
Protein change: p.Asp1104Asn; replaces aspartic acid 1104 with asparagine.
Molecular consequence: missense variant.
Genome position (GRCh38, 1-based): chr1:196,743,628, G>A. VCF-style: chr1-196743628-G-A. GRCh37 (hg19) VCF-style: chr1-196712758-G-A.
Other names: p.Asp1104Asn; short protein forms D1104N.
Identifiers: ClinVar variation 3380305 (VCV003380305.1).